The following is an entry in ClinVar:

NM_005802.5(TOPORS):c.2115T>C (p.Thr705=)

Gene: TOPORS (TOP1 binding arginine/serine rich protein, E3 ubiquitin ligase; minus strand). Cytogenetic location: 9p21.1.
Variant type: single nucleotide variant.
Coding change: c.2115T>C on transcript NM_005802.5 (MANE Select); coding-DNA position 2115, T replaced by C.
Protein change: p.Thr705=; no amino-acid change (threonine 705 retained).
Molecular consequence: synonymous variant.
Genome position (GRCh38, 1-based): chr9:32,542,410, A>G on the plus strand (T>C on the coding strand, the complement: TOPORS is on the minus strand). VCF-style: chr9-32542410-A-G. GRCh37 (hg19) VCF-style: chr9-32542408-A-G.
Other names: c.1920T>C, p.Thr640= (NM_001195622.2).
Identifiers: ClinVar variation 497679 (VCV000497679.19), dbSNP rs372292364, ClinGen allele CA5020418.

ClinVar aggregate classification (germline): Conflicting classifications of pathogenicity. Review status: criteria provided, conflicting classifications (1 of 4 stars). 4 submissions from 4 submitters: Uncertain significance (1); Likely benign (2). 1 of the submissions does not count toward it. Last evaluated 2025-11-05.

Conditions:
TOPORS-related disorder. Also called: TOPORS-related condition.

Allele frequency attached by ClinVar (database versions not stated): gnomAD exomes 0.00005 and 0.00010; ExAC 0.00007; ESP Exome Variant Server 0.00015; gnomAD 0.00025 and 0.00029; 1000 Genomes Project 30x 0.00031; 1000 Genomes Project 0.00040; TOPMed 0.00041.
gnomAD v4.1: 109 of 1,613,894 alleles (0.0068%); highest among the groups gnomAD compares: African/African-American, 0.12%; no homozygotes.

Submissions (4):

Labcorp Genetics (formerly Invitae), Labcorp
Classification: Likely benign. Last evaluated: 2025-11-05. Review status: criteria provided, single submitter. Criteria: Invitae Variant Classification Sherloc (09022015). Collection method: clinical testing. Allele origin: germline.

Blueprint Genetics
Classification: Likely benign. Last evaluated: 2023-09-05. Review status: criteria provided, single submitter. Criteria: ACMG Guidelines, 2015. Collection method: clinical testing. Allele origin: germline.

Eurofins Ntd Llc (ga)
Classification: Uncertain significance. Last evaluated: 2016-10-15. Review status: criteria provided, single submitter. Criteria: EGL Classification Definitions 2015. Collection method: clinical testing. Allele origin: germline. Observed: 1 variant allele, 1 heterozygote.

PreventionGenetics, part of Exact Sciences
Classification: Likely benign for TOPORS-related condition. Last evaluated: 2019-06-07. Review status: no assertion criteria provided. Collection method: clinical testing. Allele origin: germline. Not counted in ClinVar's aggregate classification.
Comment: This variant is classified as likely benign based on ACMG/AMP sequence variant interpretation guidelines (Richards et al. 2015 PMID: 25741868, with internal and published modifications).